The following is an entry in ClinVar:

NM_001105206.3(LAMA4):c.4665+8G>T

Gene: LAMA4 (laminin subunit alpha 4; minus strand). Cytogenetic location: 6q21.
Variant type: single nucleotide variant.
Coding change: c.4665+8G>T on transcript NM_001105206.3 (MANE Select); 8 bases into the intron after coding-DNA position 4665, G replaced by T.
Molecular consequence: intron variant.
Genome position (GRCh38, 1-based): chr6:112,120,275, C>A on the plus strand (G>T on the coding strand, the complement: LAMA4 is on the minus strand). VCF-style: chr6-112120275-C-A. GRCh37 (hg19) VCF-style: chr6-112441478-C-A.
Other names: c.4644+8G>T (NM_002290.5, NM_001105207.3).
Identifiers: ClinVar variation 178050 (VCV000178050.20), dbSNP rs184220860, ClinGen allele CA181282.

ClinVar aggregate classification (germline): Benign/Likely benign. Review status: criteria provided, multiple submitters, no conflicts (2 of 4 stars). 8 submissions from 8 submitters: Benign (5); Likely benign (1). 2 of the submissions do not count toward it. Last evaluated 2026-01-19.

Conditions:
Dilated cardiomyopathy 1JJ (CMD1JJ). Identifiers: Orphanet 154, MedGen C3808935, MONDO:0014095, OMIM 615235.
Cardiomyopathy (CMYO). Also called: Cardiomyopathies. Identifiers: Orphanet 167848, MedGen C0878544, MONDO:0004994, HP:0001638. Inheritance: Various modes of inheritance.

Allele frequency attached by ClinVar (database versions not stated): gnomAD exomes 0.00026; gnomAD 0.00112 and 0.00099; ExAC 0.00036; 1000 Genomes Project 30x 0.00047; 1000 Genomes Project 0.00040; TOPMed 0.00102; ESP Exome Variant Server 0.00161.
gnomAD v4.1: 289 of 1,612,072 alleles (0.018%); highest among the groups gnomAD compares: African/African-American, 0.34%; no homozygotes.

Submissions (8):

Labcorp Genetics (formerly Invitae), Labcorp
Classification: Benign for Dilated cardiomyopathy 1JJ. Last evaluated: 2026-01-19. Review status: criteria provided, single submitter. Criteria: Invitae Variant Classification Sherloc (09022015). Collection method: clinical testing. Allele origin: germline.

Women's Health and Genetics/Laboratory Corporation of America, LabCorp
Classification: Benign. Last evaluated: 2024-10-27. Review status: criteria provided, single submitter. Criteria: LabCorp Variant Classification Summary - May 2015. Collection method: clinical testing. Allele origin: germline.

CHEO Genetics Diagnostic Laboratory, Children's Hospital of Eastern Ontario
Classification: Benign for Cardiomyopathy. Last evaluated: 2018-03-01. Review status: criteria provided, single submitter. Criteria: ACMG Guidelines, 2015. Collection method: clinical testing. Allele origin: germline.

Clinical Genetics DNA and cytogenetics Diagnostics Lab, Erasmus MC, Erasmus Medical Center
Classification: Likely benign for Dilated cardiomyopathy 1JJ. Last evaluated: 2017-05-31. Review status: criteria provided, single submitter. Criteria: ACGS Guidelines, 2013. Collection method: clinical testing. Allele origin: germline. Affected: yes. Study: VKGL Data-share Consensus.

GeneDx
Classification: Benign. Last evaluated: 2015-09-28. Review status: criteria provided, single submitter. Criteria: GeneDx Variant Classification (06012015). Collection method: clinical testing. Allele origin: germline. Affected: yes.
Comment: This variant is considered likely benign or benign based on one or more of the following criteria: it is a conservative change, it occurs at a poorly conserved position in the protein, it is predicted to be benign by multiple in silico algorithms, and/or has population frequency not consistent with disease.

Laboratory for Molecular Medicine, Mass General Brigham Personalized Medicine
Classification: Benign. Last evaluated: 2012-03-19. Review status: criteria provided, single submitter. Criteria: LMM Criteria. Collection method: clinical testing. Allele origin: germline. Observed: 2 variant alleles.
Comment: c.4644+8G>T in Intron 33 of LAMA4: This variant is not expected to have clinical significance because it is not located within the splice consensus sequence and has been identified in 0.5% (18/3738) of African American chromosomes from a br oad population by the NHLBI Exome Sequencing Project (du/EVS;).

Clinical Genetics, Academic Medical Center
Classification: Benign. Review status: no assertion criteria provided. Collection method: clinical testing. Allele origin: germline. Affected: yes. Study: VKGL Data-share Consensus. Not counted in ClinVar's aggregate classification.

Genome Diagnostics Laboratory, University Medical Center Utrecht
Classification: Likely benign. Review status: no assertion criteria provided. Collection method: clinical testing. Allele origin: germline. Affected: yes. Study: VKGL Data-share Consensus. Not counted in ClinVar's aggregate classification.